The following is an entry in ClinVar:

NM_001079802.2(FKTN):c.745_746delinsT (p.Glu249fs)

Gene: FKTN (fukutin; plus strand). Cytogenetic location: 9q31.2.
Variant type: Indel.
Coding change: c.745_746delinsT on transcript NM_001079802.2 (MANE Select); coding-DNA positions 745 to 746, GA replaced by T.
Protein change: p.Glu249fs; shifts the reading frame from glutamic acid 249.
Molecular consequence: frameshift variant. On other transcripts: non-coding transcript variant (2).
Genome position (GRCh38, 1-based): chr9:105,607,916-105,607,917, GA replaced by T. VCF-style: chr9-105607916-GA-T. GRCh37 (hg19) VCF-style: chr9-108370197-GA-T.
Other names: c.745_746delinsT, p.Glu249fs (NM_001198963.2, NM_001351496.2, NM_001351498.2 and 1 more transcripts); c.676_677delinsT, p.Glu226fs (NM_001351497.2); c.349_350delinsT, p.Glu117fs (NM_001351499.2, NM_001351500.2, NM_001351501.2 and 1 more transcripts); short protein forms E117fs, E226fs, E249fs.
Identifiers: ClinVar variation 1725624 (VCV001725624.3), dbSNP rs2539494660, ClinGen allele CA2580079334.
Genomic context (GRCh38, chr9:105,607,916, plus strand): 5'-GTTCTCATTCCAAAGGATCCAATGCACTTTGTAGAAGAAGTACCACACTCTAGGTTTATT[GA>T]GTGTAGGTATAAAGAAGCTCGAGCATTCTTTCAGGTTAGAGACAACCAAATGTGTACTTT-3'

ClinVar aggregate classification (germline): Likely pathogenic (1 of 4 stars; one submission).

Conditions:
Myopathy caused by variation in FKTN. Identifiers: MedGen CN305638, MONDO:0700067.

Submission:

Myriad Genetics, Inc.
Classification: Likely pathogenic for Myopathy caused by variation in FKTN. Last evaluated: 2022-03-30. Review status: criteria provided, single submitter. Criteria: Myriad Autosomal Dominant, Autosomal Recessive and X-Linked Classification Criteria (2023). Collection method: clinical testing. Allele origin: unknown.
Comment: NM_001079802.1(FKTN):c.745_746delGAinsT(E249Cfs*35) is expected to be pathogenic in the context of FKTN-related disorders. This variant is predicted to lead to an abnormal or absent protein product due to the creation of a premature termination codon in FKTN, a gene where loss-of-function variants are known to be pathogenic. Please note: this variant was assessed in the context of healthy population screening.